The following is an entry in ClinVar:

ClinVar aggregate classification (germline): Likely benign (1 of 4 stars; one submission).

gnomAD v4.1: 9 of 1,521,644 alleles (0.00059%); highest among the groups gnomAD compares: Admixed American, 0.0017%; no homozygotes.

Submission:

CeGaT Center for Human Genetics Tuebingen
Classification: Likely benign. Last evaluated: 2026-05-01. Review status: criteria provided, single submitter. Criteria: CeGaT Center For Human Genetics Tuebingen Variant Classification Criteria Version 2. Collection method: clinical testing. Allele origin: germline. Affected: yes. Observed: 1 variant allele.
Comment: ZNF66: BP4, BP7

NM_001355197.2(ZNF66):c.720C>G (p.Arg240=)

Gene: ZNF66 (zinc finger protein 66; plus strand). Cytogenetic location: 19p12.
Variant type: single nucleotide variant.
Coding change: c.720C>G on transcript NM_001355197.2 (MANE Select); coding-DNA position 720, C replaced by G.
Protein change: p.Arg240=; no amino-acid change (arginine 240 retained).
Molecular consequence: synonymous variant.
Genome position (GRCh38, 1-based): chr19:20,806,320, C>G. VCF-style: chr19-20806320-C-G. GRCh37 (hg19) VCF-style: chr19-20989126-C-G.
Identifiers: ClinVar variation 4873042 (VCV004873042.2).